The following is an entry in ClinVar:

ClinVar aggregate classification (germline): Conflicting classifications of pathogenicity. Review status: criteria provided, conflicting classifications (1 of 4 stars). 8 submissions from 8 submitters: Uncertain significance (7); Likely benign (1). Last evaluated 2025-06-12.

Conditions:
Arrhythmogenic cardiomyopathy with wooly hair and keratoderma. Also called: Carvajal syndrome; Dilated cardiomyopathy with woolly hair and keratoderma; Arrhythmogenic cardiomyopathy with woolly hair and keratoderma; PALMOPLANTAR KERATODERMA WITH LEFT VENTRICULAR CARDIOMYOPATHY AND WOOLLY HAIR. Identifiers: Orphanet 65282, MedGen C1854063, MONDO:0011581, OMIM 605676.
Cardiovascular phenotype. Identifiers: MedGen CN230736.
Keratosis palmoplantaris striata 2. Also called: KERATODERMA, PALMOPLANTAR, STRIATE FORM II; STRIATE PALMOPLANTAR KERATODERMA II; Keratosis palmoplantaris striata II. Identifiers: MedGen C1852127, MONDO:0013034, OMIM 612908.
Lethal acantholytic epidermolysis bullosa (EBLA). Identifiers: Orphanet 158687, MedGen C1864826, MONDO:0012323, OMIM 609638.
Woolly hair-skin fragility syndrome (WHSF). Identifiers: Orphanet 293165, MedGen C1843292, MONDO:0957307, OMIM 620415.
Cardiomyopathy, dilated, with wooly hair, keratoderma, and tooth agenesis. Also called: Cardiomyopathy, dilated, with woolly hair, keratoderma, and tooth agenesis; Erythrokeratodermia-cardiomyopathy syndrome. Identifiers: Orphanet 476096, Orphanet 65282, MedGen C4014393, MONDO:0014355, OMIM 615821.
Arrhythmogenic right ventricular dysplasia 8 (ARVD8). Also called: Arrhythmogenic Right Ventricular Dysplasia/Cardiomyopathy 8; ARRHYTHMOGENIC RIGHT VENTRICULAR DYSPLASIA, FAMILIAL, 8; ARRHYTHMOGENIC RIGHT VENTRICULAR CARDIOMYOPATHY 8. Identifiers: MedGen C1843896, MONDO:0011831, OMIM 607450.
Cardiomyopathy (CMYO). Also called: Cardiomyopathies. Identifiers: Orphanet 167848, MedGen C0878544, MONDO:0004994, HP:0001638. Inheritance: Various modes of inheritance.

Allele frequency attached by ClinVar (database versions not stated): TOPMed below 0.00001; 1000 Genomes Project 0.00020; 1000 Genomes Project 30x 0.00031.
gnomAD v4.1: 28 of 1,613,948 alleles (0.0017%); highest among the groups gnomAD compares: South Asian, 0.02%; no homozygotes.

Submissions (8):

Ambry Genetics
Classification: Uncertain significance for Cardiovascular phenotype. Last evaluated: 2025-06-12. Review status: criteria provided, single submitter. Criteria: Ambry Variant Classification Scheme 2023. Collection method: clinical testing. Allele origin: germline.
Comment: The p.R162H variant (also known as c.485G>A), located in coding exon 4 of the DSP gene, results from a G to A substitution at nucleotide position 485. The arginine at codon 162 is replaced by histidine, an amino acid with highly similar properties. This amino acid position is conserved. In addition, the in silico prediction for this alteration is inconclusive. Since supporting evidence is limited at this time, the clinical significance of this alteration remains unclear.

Labcorp Genetics (formerly Invitae), Labcorp
Classification: Likely benign for Arrhythmogenic cardiomyopathy with wooly hair and keratoderma; Arrhythmogenic right ventricular dysplasia 8. Last evaluated: 2025-02-05. Review status: criteria provided, single submitter. Criteria: Invitae Variant Classification Sherloc (09022015). Collection method: clinical testing. Allele origin: germline.

Color Diagnostics, LLC DBA Color Health
Classification: Uncertain significance for Cardiomyopathy. Last evaluated: 2024-03-06. Review status: criteria provided, single submitter. Criteria: ACMG Guidelines, 2015. Collection method: clinical testing. Allele origin: germline.
Comment: This missense variant replaces arginine with histidine at codon 162 of the DSP protein. Computational prediction suggests that this variant may not impact protein structure and function (internally defined REVEL score threshold <= 0.5, PMID: 27666373). To our knowledge, functional studies have not been reported for this variant. This variant has not been reported in individuals affected with DSP-related disorders in the literature. This variant has been identified in 7/251218 chromosomes in the general population by the Genome Aggregation Database (gnomAD). The available evidence is insufficient to determine the role of this variant in disease conclusively. Therefore, this variant is classified as a Variant of Uncertain Significance.

All of Us Research Program, National Institutes of Health
Classification: Uncertain significance for Arrhythmogenic cardiomyopathy with wooly hair and keratoderma. Last evaluated: 2024-01-11. Review status: criteria provided, single submitter. Criteria: ACMG Guidelines, 2015. Collection method: clinical testing. Allele origin: germline. Inheritance: Autosomal dominant inheritance. Observed: 4 variant alleles, 4 heterozygotes.
Comment: This missense variant replaces arginine with histidine at codon 162 of the DSP protein. Computational prediction suggests that this variant may not impact protein structure and function (internally defined REVEL score threshold <= 0.5, PMID: 27666373). To our knowledge, functional studies have not been reported for this variant. This variant has not been reported in individuals affected with DSP-related disorders in the literature. This variant has been identified in 7/251218 chromosomes in the general population by the Genome Aggregation Database (gnomAD). The available evidence is insufficient to determine the role of this variant in disease conclusively. Therefore, this variant is classified as a Variant of Uncertain Significance.

This study involves interpretation of variants in research participants for the purpose of population health screening. Participant phenotype was not available at the time of variant classification. Additional details can be found in publication PMID: 35346344, PMCID: PMC8962531

Fulgent Genetics
Classification: Uncertain significance for Arrhythmogenic cardiomyopathy with wooly hair and keratoderma; Arrhythmogenic right ventricular dysplasia 8; Lethal acantholytic epidermolysis bullosa; Keratosis palmoplantaris striata 2; Cardiomyopathy, dilated, with wooly hair, keratoderma, and tooth agenesis. Last evaluated: 2021-08-18. Review status: criteria provided, single submitter. Criteria: ACMG Guidelines, 2015. Collection method: clinical testing. Allele origin: unknown.

GeneDx
Classification: Uncertain significance. Last evaluated: 2021-05-14. Review status: criteria provided, single submitter. Criteria: GeneDx Variant Classification Process June 2021. Collection method: clinical testing. Allele origin: germline. Affected: yes.
Comment: In silico analysis supports that this missense variant does not alter protein structure/function; Has not been previously published as pathogenic or benign to our knowledge

Blueprint Genetics
Classification: Uncertain significance. Last evaluated: 2019-06-12. Review status: criteria provided, single submitter. Criteria: ACMG Guidelines, 2015. Collection method: clinical testing. Allele origin: germline.

CHEO Genetics Diagnostic Laboratory, Children's Hospital of Eastern Ontario
Classification: Uncertain significance for Cardiomyopathy. Last evaluated: 2017-11-30. Review status: criteria provided, single submitter. Criteria: ACMG Guidelines, 2015. Collection method: clinical testing. Allele origin: germline.

NM_004415.4(DSP):c.485G>A (p.Arg162His)

Gene: DSP (desmoplakin; plus strand). Cytogenetic location: 6p24.3.
Variant type: single nucleotide variant.
Coding change: c.485G>A on transcript NM_004415.4 (MANE Select); coding-DNA position 485, G replaced by A.
Protein change: p.Arg162His; replaces arginine 162 with histidine.
Molecular consequence: missense variant.
Genome position (GRCh38, 1-based): chr6:7,559,288, G>A. VCF-style: chr6-7559288-G-A. GRCh37 (hg19) VCF-style: chr6-7559521-G-A.
Other names: c.485G>A, p.Arg162His (NM_001008844.3, NM_001319034.2); c.485G>A (LRG_423t1); short protein forms R162H.
Identifiers: ClinVar variation 628319 (VCV000628319.23), dbSNP rs397516944, ClinGen allele CA043135.